The following is an entry in ClinVar:

ClinVar aggregate classification (germline): Uncertain significance. Review status: criteria provided, multiple submitters, no conflicts (2 of 4 stars). 3 submissions from 3 submitters: Uncertain significance (3). Last evaluated 2023-03-28.

Conditions:
Hereditary cancer-predisposing syndrome. Also called: Hereditary neoplastic syndrome; Tumor predisposition; Neoplastic Syndromes, Hereditary; Hereditary Cancer Syndrome. Identifiers: Orphanet 140162, MedGen C0027672, MeSH D009386, MONDO:0015356.
Hereditary breast ovarian cancer syndrome. Also called: Hereditary breast and/or ovarian cancer syndrome; Hereditary breast and ovarian cancer syndrome; BRCA1- and BRCA2-Associated Hereditary Breast and Ovarian Cancer; Hereditary breast and ovarian cancer; Breast and ovarian cancer; Hereditary breast and ovarian cancer syndrome (HBOC). Identifiers: Orphanet 145, MedGen C0677776, MeSH D061325, MONDO:0003582. Disease mechanism: loss of function.
Breast-ovarian cancer, familial, susceptibility to, 2 (BROVCA2). Also called: BRCA2 Hereditary Breast and Ovarian Cancer. Identifiers: Orphanet 145, MedGen C2675520, MONDO:0012933, OMIM 612555. Disease mechanism: loss of function.

Allele frequency attached by ClinVar (database versions not stated): gnomAD exomes below 0.00001; ExAC 0.00001.
gnomAD v4.1: 2 of 1,613,692 alleles (0.00012%); highest among the groups gnomAD compares: South Asian, 0.0011%; no homozygotes.

Submissions (3):

All of Us Research Program, National Institutes of Health
Classification: Uncertain significance for Breast-ovarian cancer, familial, susceptibility to, 2. Last evaluated: 2023-03-28. Review status: criteria provided, single submitter. Criteria: ACMG Guidelines, 2015. Collection method: clinical testing. Allele origin: germline. Inheritance: Autosomal dominant inheritance. Observed: 1 variant allele, 1 heterozygote.
Comment: This study involves interpretation of variants in research participants for the purpose of population health screening. Participant phenotype was not available at the time of variant classification. Additional details can be found in publication PMID: 35346344, PMCID: PMC8962531

Ambry Genetics
Classification: Uncertain significance for Hereditary cancer-predisposing syndrome. Last evaluated: 2022-08-02. Review status: criteria provided, single submitter. Criteria: Ambry Variant Classification Scheme 2023. Collection method: clinical testing. Allele origin: germline.

Labcorp Genetics (formerly Invitae), Labcorp
Classification: Uncertain significance for Hereditary breast ovarian cancer syndrome. Last evaluated: 2021-05-20. Review status: criteria provided, single submitter. Criteria: Invitae Variant Classification Sherloc (09022015). Collection method: clinical testing. Allele origin: germline.
Comment: This sequence change replaces histidine with arginine at codon 2417 of the BRCA2 protein (p.His2417Arg). The histidine residue is weakly conserved and there is a small physicochemical difference between histidine and arginine. This variant is present in population databases (rs750264715, ExAC 0.001%). This variant has not been reported in the literature in individuals with BRCA2-related conditions. Advanced modeling of protein sequence and biophysical properties (such as structural, functional, and spatial information, amino acid conservation, physicochemical variation, residue mobility, and thermodynamic stability) performed at Invitae indicates that this missense variant is not expected to disrupt BRCA2 protein function. In summary, the available evidence is currently insufficient to determine the role of this variant in disease. Therefore, it has been classified as a Variant of Uncertain Significance.

NM_000059.4(BRCA2):c.7250A>G (p.His2417Arg)

Gene: BRCA2 (BRCA2 DNA repair associated; plus strand). Cytogenetic location: 13q13.1.
Variant type: single nucleotide variant.
Coding change: c.7250A>G on transcript NM_000059.4 (MANE Select); coding-DNA position 7250, A replaced by G.
Protein change: p.His2417Arg; replaces histidine 2417 with arginine.
Molecular consequence: missense variant.
Genome position (GRCh38, 1-based): chr13:32,355,103, A>G. VCF-style: chr13-32355103-A-G. GRCh37 (hg19) VCF-style: chr13-32929240-A-G.
Other names: short protein forms H2417R.
Identifiers: ClinVar variation 1477766 (VCV001477766.11), dbSNP rs750264715, ClinGen allele CA6941075.